The following is an entry in ClinVar:

ClinVar aggregate classification (germline): Likely benign. Review status: criteria provided, multiple submitters, no conflicts (2 of 4 stars). 3 submissions from 3 submitters: Likely benign (3). Last evaluated 2024-12-02.

Conditions:
Ehlers-Danlos syndrome, classic type, 1 (EDSCL1). Also called: EHLERS-DANLOS SYNDROME, GRAVIS TYPE; EHLERS-DANLOS SYNDROME, SEVERE CLASSIC TYPE; Ehlers-Danlos Syndrome, Classic Type, COL5A1-Related; EDS I; Ehlers-Danlos syndrome, type 1. Identifiers: MedGen C0268335, MONDO:0019567, OMIM 130000.

Allele frequency attached by ClinVar (database versions not stated): gnomAD 0.00001; ExAC 0.00003; TOPMed 0.00001; gnomAD exomes 0.00002.
gnomAD v4.1: 6 of 1,612,332 alleles (0.00037%); highest among the groups gnomAD compares: Non-Finnish European, 0.00051%; no homozygotes.

Submissions (3):

Women's Health and Genetics/Laboratory Corporation of America, LabCorp
Classification: Likely benign. Last evaluated: 2024-12-02. Review status: criteria provided, single submitter. Criteria: LabCorp Variant Classification Summary - May 2015. Collection method: clinical testing. Allele origin: germline.

Labcorp Genetics (formerly Invitae), Labcorp
Classification: Likely benign for Ehlers-Danlos syndrome, classic type, 1. Last evaluated: 2024-10-16. Review status: criteria provided, single submitter. Criteria: Invitae Variant Classification Sherloc (09022015). Collection method: clinical testing. Allele origin: germline.

GeneDx
Classification: Likely benign. Last evaluated: 2015-11-23. Review status: criteria provided, single submitter. Criteria: GeneDx Variant Classification (06012015). Collection method: clinical testing. Allele origin: germline. Affected: yes.
Comment: This variant is considered likely benign or benign based on one or more of the following criteria: it is a conservative change, it occurs at a poorly conserved position in the protein, it is predicted to be benign by multiple in silico algorithms, and/or has population frequency not consistent with disease.

NM_000093.5(COL5A1):c.4338+18G>C

Gene: COL5A1 (collagen type V alpha 1 chain; plus strand). Cytogenetic location: 9q34.3.
Variant type: single nucleotide variant.
Coding change: c.4338+18G>C on transcript NM_000093.5 (MANE Select); 18 bases into the intron after coding-DNA position 4338, G replaced by C.
Molecular consequence: intron variant.
Genome position (GRCh38, 1-based): chr9:134,818,781, G>C. VCF-style: chr9-134818781-G-C. GRCh37 (hg19) VCF-style: chr9-137710627-G-C.
Other names: c.4338+18G>C (NM_001278074.1).
Identifiers: ClinVar variation 381751 (VCV000381751.5), dbSNP rs781247782, ClinGen allele CA5320239.